The following is an entry in ClinVar:

ClinVar aggregate classification (germline): Uncertain significance. Review status: criteria provided, multiple submitters, no conflicts (2 of 4 stars). 3 submissions from 3 submitters: Uncertain significance (2). 1 of the submissions does not count toward it. Last evaluated 2024-11-26.

Conditions:
PALLD-related disorder. Also called: PALLD-related condition.
Pancreatic adenocarcinoma. Identifiers: MedGen C0281361, MONDO:0006047, HP:0006725.

Allele frequency attached by ClinVar (database versions not stated): gnomAD exomes 0.00001; TOPMed 0.00004; gnomAD 0.00006 and 0.00007; ESP Exome Variant Server 0.00008.
gnomAD v4.1: 12 of 1,613,766 alleles (0.00074%); highest among the groups gnomAD compares: African/African-American, 0.012%; no homozygotes.

Submissions (3):

Ambry Genetics
Classification: Uncertain significance. Last evaluated: 2024-11-26. Review status: criteria provided, single submitter. Criteria: Ambry Variant Classification Scheme 2023. Collection method: clinical testing. Allele origin: germline.
Comment: The p.K172E variant (also known as c.514A>G), located in coding exon 2 of the PALLD gene, results from an A to G substitution at nucleotide position 514. The lysine at codon 172 is replaced by glutamic acid, an amino acid with similar properties. This amino acid position is conserved. In addition, the in silico prediction for this alteration is inconclusive. Based on the available evidence, the clinical significance of this variant remains unclear.

Labcorp Genetics (formerly Invitae), Labcorp
Classification: Uncertain significance for Pancreatic adenocarcinoma. Last evaluated: 2020-12-10. Review status: criteria provided, single submitter. Criteria: Invitae Variant Classification Sherloc (09022015). Collection method: clinical testing. Allele origin: germline.
Comment: In summary, the available evidence is currently insufficient to determine the role of this variant in disease. Therefore, it has been classified as a Variant of Uncertain Significance. Algorithms developed to predict the effect of missense changes on protein structure and function are either unavailable or do not agree on the potential impact of this missense change (SIFT: "Deleterious"; PolyPhen-2: "Benign"; Align-GVGD: "Class C55"). This variant has not been reported in the literature in individuals with PALLD-related conditions. This variant is not present in population databases (ExAC no frequency). This sequence change replaces lysine with glutamic acid at codon 172 of the PALLD protein (p.Lys172Glu). The lysine residue is highly conserved and there is a small physicochemical difference between lysine and glutamic acid.

PreventionGenetics, part of Exact Sciences
Classification: Uncertain significance for PALLD-related condition. Last evaluated: 2024-06-21. Review status: no assertion criteria provided. Collection method: clinical testing. Allele origin: germline. Not counted in ClinVar's aggregate classification.
Comment: The PALLD c.1975A>G variant is predicted to result in the amino acid substitution p.Lys659Glu. To our knowledge, this variant has not been reported in the literature. This variant is reported in 0.0080% of alleles in individuals of African descent in gnomAD and is interpreted as uncertain significance in ClinVar. At this time, the clinical significance of this variant is uncertain due to the absence of conclusive functional and genetic evidence.

NM_001166108.2(PALLD):c.1975A>G (p.Lys659Glu)

Gene: PALLD (palladin, cytoskeletal associated protein; plus strand). Cytogenetic location: 4q32.3.
Variant type: single nucleotide variant.
Coding change: c.1975A>G on transcript NM_001166108.2 (MANE Select); coding-DNA position 1975, A replaced by G.
Protein change: p.Lys659Glu; replaces lysine 659 with glutamic acid.
Molecular consequence: missense variant. On other transcripts: 5 prime UTR variant (4).
Genome position (GRCh38, 1-based): chr4:168,890,932, A>G. VCF-style: chr4-168890932-A-G. GRCh37 (hg19) VCF-style: chr4-169812083-A-G.
Other names: c.829A>G, p.Lys277Glu (NM_001166109.2); c.514A>G, p.Lys172Glu (NM_001166110.2); c.-147A>G (NM_001367567.1, NM_001367568.1, NM_001367569.1 and 1 more transcripts); c.1975A>G, p.Lys659Glu (NM_016081.4); c.514A>G (NM_001166110.1); c.1975A>G (NM_016081.3); short protein forms K659E, K172E, K277E.
Identifiers: ClinVar variation 1397216 (VCV001397216.11), dbSNP rs370768506, ClinGen allele CA110517286.